The following is an entry in ClinVar:

NM_001077350.3(NPRL3):c.173A>C (p.Gln58Pro)

Genes: HBA-LCR (alpha-globin locus control region; plus strand), NPRL3 (NPR3 like, GATOR1 complex subunit; minus strand). Cytogenetic location: 16p13.3.
Variant type: single nucleotide variant.
Coding change: c.173A>C on transcript NM_001077350.3 (MANE Select); coding-DNA position 173, A replaced by C.
Protein change: p.Gln58Pro; replaces glutamine 58 with proline.
Molecular consequence: missense variant. On other transcripts: 5 prime UTR variant (2).
Genome position (GRCh38, 1-based): chr16:130,537, T>G on the plus strand (A>C on the coding strand, the complement: NPRL3 is on the minus strand). VCF-style: chr16-130537-T-G. GRCh37 (hg19) VCF-style: chr16-180536-T-G.
Other names: c.-160A>C (NM_001039476.3); c.-199A>C (NM_001243247.2); c.173A>C, p.Gln58Pro (NM_001243248.2, NM_001243249.2); short protein forms Q58P.
Identifiers: ClinVar variation 2797523 (VCV002797523.3), dbSNP rs1204695345, ClinGen allele CA393997731.

ClinVar aggregate classification (germline): Uncertain significance (1 of 4 stars; one submission).

Conditions:
Epilepsy, familial focal, with variable foci 3 (FFEVF3). Identifiers: MedGen C4310708, MONDO:0014925, OMIM 617118.

Submission:

Labcorp Genetics (formerly Invitae), Labcorp
Classification: Uncertain significance for Epilepsy, familial focal, with variable foci 3. Last evaluated: 2025-01-15. Review status: criteria provided, single submitter. Criteria: Invitae Variant Classification Sherloc (09022015). Collection method: clinical testing. Allele origin: germline.
Comment: This sequence change replaces glutamine, which is neutral and polar, with proline, which is neutral and non-polar, at codon 58 of the NPRL3 protein (p.Gln58Pro). The frequency data for this variant in the population databases is considered unreliable, as metrics indicate poor data quality at this position in the gnomAD database. This variant has not been reported in the literature in individuals affected with NPRL3-related conditions. ClinVar contains an entry for this variant (Variation ID: 2797523). Invitae Evidence Modeling of protein sequence and biophysical properties (such as structural, functional, and spatial information, amino acid conservation, physicochemical variation, residue mobility, and thermodynamic stability) indicates that this missense variant is not expected to disrupt NPRL3 protein function with a negative predictive value of 80%. In summary, the available evidence is currently insufficient to determine the role of this variant in disease. Therefore, it has been classified as a Variant of Uncertain Significance.